The following is an entry in ClinVar:

NM_014804.3(KIAA0753):c.758G>A (p.Arg253Gln)

Gene: KIAA0753 (KIAA0753; minus strand). Cytogenetic location: 17p13.1.
Variant type: single nucleotide variant.
Coding change: c.758G>A on transcript NM_014804.3 (MANE Select); coding-DNA position 758, G replaced by A.
Protein change: p.Arg253Gln; replaces arginine 253 with glutamine.
Molecular consequence: missense variant. On other transcripts: 5 prime UTR variant (1), non-coding transcript variant (1).
Genome position (GRCh38, 1-based): chr17:6,624,822, C>T on the plus strand (G>A on the coding strand, the complement: KIAA0753 is on the minus strand). VCF-style: chr17-6624822-C-T. GRCh37 (hg19) VCF-style: chr17-6528142-C-T.
Other names: c.-477G>A (NM_001351225.2); short protein forms R253Q.
Identifiers: ClinVar variation 1926580 (VCV001926580.6), dbSNP rs368409165, ClinGen allele CA8330709.
Genomic context (GRCh38, chr17:6,624,822, plus strand): 5'-TGGAGGACGTAGAGCATTCGGGCAGAGCGAGCAGCTTGCTCCTGTCTCCTGATACGGATT[C>T]GACGTTCTTCATCTGGATCCAAAGCTTCTTCTAGTCTATCTGAAAATATTAATAGTTTTC-3'
Protein context (NP_055619.2, residues 243-263): EEALDPDEER[Arg253Gln]IRIRRQEQAA

ClinVar aggregate classification (germline): Uncertain significance. Review status: criteria provided, multiple submitters, no conflicts (2 of 4 stars). 2 submissions from 2 submitters: Uncertain significance (2). Last evaluated 2025-06-09.

Allele frequency attached by ClinVar (database versions not stated): ESP Exome Variant Server 0.00008; ExAC 0.00013.
gnomAD v4.1: 33 of 1,562,242 alleles (0.0021%); highest among the groups gnomAD compares: Non-Finnish European, 0.0023%; no homozygotes.

Submissions (2):

Labcorp Genetics (formerly Invitae), Labcorp
Classification: Uncertain significance. Last evaluated: 2025-06-09. Review status: criteria provided, single submitter. Criteria: Invitae Variant Classification Sherloc (09022015). Collection method: clinical testing. Allele origin: germline.
Comment: This sequence change replaces arginine, which is basic and polar, with glutamine, which is neutral and polar, at codon 253 of the KIAA0753 protein (p.Arg253Gln). The frequency data for this variant in the population databases is considered unreliable, as metrics indicate poor data quality at this position in the gnomAD database. This variant has not been reported in the literature in individuals affected with KIAA0753-related conditions. ClinVar contains an entry for this variant (Variation ID: 1926580). An algorithm developed to predict the effect of missense changes on protein structure and function (PolyPhen-2) suggests that this variant is likely to be disruptive. In summary, the available evidence is currently insufficient to determine the role of this variant in disease. Therefore, it has been classified as a Variant of Uncertain Significance.

Breakthrough Genomics
Classification: Uncertain significance. Review status: criteria provided, single submitter. Criteria: ACMG Guidelines, 2015. Collection method: not provided. Allele origin: germline. Inheritance: Autosomal recessive inheritance. Affected: yes.